The following is an entry in ClinVar:

ClinVar aggregate classification (germline): Uncertain significance. Review status: criteria provided, multiple submitters, no conflicts (2 of 4 stars). 2 submissions from 2 submitters: Uncertain significance (2). Last evaluated 2025-06-20.

Conditions:
Arrhythmogenic cardiomyopathy with wooly hair and keratoderma. Also called: Dilated cardiomyopathy with woolly hair and keratoderma; Arrhythmogenic cardiomyopathy with woolly hair and keratoderma; PALMOPLANTAR KERATODERMA WITH LEFT VENTRICULAR CARDIOMYOPATHY AND WOOLLY HAIR; Carvajal syndrome. Identifiers: Orphanet 65282, MedGen C1854063, MONDO:0011581, OMIM 605676.
Arrhythmogenic right ventricular dysplasia 8 (ARVD8). Also called: Arrhythmogenic Right Ventricular Dysplasia/Cardiomyopathy 8; ARRHYTHMOGENIC RIGHT VENTRICULAR DYSPLASIA, FAMILIAL, 8; ARRHYTHMOGENIC RIGHT VENTRICULAR CARDIOMYOPATHY 8. Identifiers: MedGen C1843896, MONDO:0011831, OMIM 607450.
DSP-related disorder. Also called: DSP-related condition; DSP-related disorders.

Submissions (2):

PreventionGenetics, part of Exact Sciences
Classification: Uncertain significance for DSP-related condition. Last evaluated: 2025-06-20. Review status: criteria provided, single submitter. Criteria: ACMG Guidelines, 2015. Collection method: clinical testing. Allele origin: germline.
Comment: The DSP c.5358A>C variant is predicted to result in the amino acid substitution p.Lys1786Asn. To our knowledge, this variant has not been reported in the literature or in a large population database (gnomAD), indicating this variant is rare. At this time, the clinical significance of this variant is uncertain due to the absence of conclusive functional and genetic evidence.

Labcorp Genetics (formerly Invitae), Labcorp
Classification: Uncertain significance for Arrhythmogenic cardiomyopathy with wooly hair and keratoderma; Arrhythmogenic right ventricular dysplasia 8. Last evaluated: 2024-08-20. Review status: criteria provided, single submitter. Criteria: Invitae Variant Classification Sherloc (09022015). Collection method: clinical testing. Allele origin: germline.
Comment: This sequence change replaces lysine, which is basic and polar, with asparagine, which is neutral and polar, at codon 1786 of the DSP protein (p.Lys1786Asn). This variant is not present in population databases (gnomAD no frequency). This variant has not been reported in the literature in individuals affected with DSP-related conditions. An algorithm developed to predict the effect of missense changes on protein structure and function (PolyPhen-2) suggests that this variant is likely to be tolerated. In summary, the available evidence is currently insufficient to determine the role of this variant in disease. Therefore, it has been classified as a Variant of Uncertain Significance.

NM_004415.4(DSP):c.5358A>C (p.Lys1786Asn)

Gene: DSP (desmoplakin; plus strand). Cytogenetic location: 6p24.3.
Variant type: single nucleotide variant.
Coding change: c.5358A>C on transcript NM_004415.4 (MANE Select); coding-DNA position 5358, A replaced by C.
Protein change: p.Lys1786Asn; replaces lysine 1786 with asparagine.
Molecular consequence: missense variant. On other transcripts: intron variant (2).
Genome position (GRCh38, 1-based): chr6:7,581,548, A>C. VCF-style: chr6-7581548-A-C. GRCh37 (hg19) VCF-style: chr6-7581781-A-C.
Other names: c.4051-1094A>C (NM_001319034.2); c.3583-1094A>C (NM_001008844.3); c.5358A>C (NM_004415.3); short protein forms K1786N.
Identifiers: ClinVar variation 3753557 (VCV003753557.3).